The following is an entry in ClinVar:

NM_001382430.1(AKT1):c.362G>C (p.Arg121Pro)

Gene: AKT1 (AKT serine/threonine kinase 1; minus strand). Cytogenetic location: 14q32.33.
Variant type: single nucleotide variant.
Coding change: c.362G>C on transcript NM_001382430.1 (MANE Select); coding-DNA position 362, G replaced by C.
Protein change: p.Arg121Pro; replaces arginine 121 with proline.
Molecular consequence: missense variant.
Genome position (GRCh38, 1-based): chr14:104,775,725, C>G on the plus strand (G>C on the coding strand, the complement: AKT1 is on the minus strand). VCF-style: chr14-104775725-C-G. GRCh37 (hg19) VCF-style: chr14-105242062-C-G.
Other names: c.362G>C, p.Arg121Pro (NM_001382432.1, NM_001382433.1, NM_005163.2 and 3 more transcripts); short protein forms R121P.
Identifiers: ClinVar variation 4267542 (VCV004267542.1).

ClinVar aggregate classification (germline): Uncertain significance (1 of 4 stars; one submission).

Conditions:
Inborn genetic diseases. Identifiers: MedGen C0950123, MeSH D030342.

Submission:

Ambry Genetics
Classification: Uncertain significance for Inborn genetic diseases. Last evaluated: 2025-06-21. Review status: criteria provided, single submitter. Criteria: Ambry Variant Classification Scheme 2023. Collection method: clinical testing. Allele origin: germline.
Comment: The p.R121P variant (also known as c.362G>C), located in coding exon 4 of the AKT1 gene, results from a G to C substitution at nucleotide position 362. The arginine at codon 121 is replaced by proline, an amino acid with dissimilar properties. This amino acid position is conserved. In addition, this alteration is predicted to be tolerated by in silico analysis. Based on the available evidence, the clinical significance of this variant remains unclear.